The following is an entry in ClinVar:

ClinVar aggregate classification (germline): Pathogenic (1 of 4 stars; one submission).

Submission:

Labcorp Genetics (formerly Invitae), Labcorp
Classification: Pathogenic. Last evaluated: 2019-05-21. Review status: criteria provided, single submitter. Criteria: Invitae Variant Classification Sherloc (09022015). Collection method: clinical testing. Allele origin: germline.
Comment: For these reasons, this variant has been classified as Pathogenic. Loss-of-function variants in FDPS are known to be pathogenic (PMID: 26202976). This variant has not been reported in the literature in individuals with FDPS-related disease. A gross deletion of the genomic region encompassing the full coding sequence of the FDPS gene has been identified. The boundaries of this event are unknown as the deletion extends beyond the assayed region for this gene and therefore may encompass additional genes.

Literature cited by the submitters: PubMed 26202976.

NC_000001.11:g.(?_155282411)_(155323834_?)del

Genes: FDPS (farnesyl diphosphate synthase; plus strand), HCN3 (hyperpolarization activated cyclic nucleotide gated potassium channel 3; plus strand), PKLR (pyruvate kinase L/R; minus strand), RUSC1 (RUN and SH3 domain containing 1; plus strand), RUSC1-AS1 (RUSC1 antisense RNA 1; minus strand) and 7 more. Cytogenetic location: 1q22.
Variant type: Deletion.
Identifiers: ClinVar variation 659608 (VCV000659608.4).